The following is an entry in ClinVar:

NM_000216.4(ANOS1):c.784C>T (p.Arg262Ter)

Gene: ANOS1 (anosmin 1; minus strand). Cytogenetic location: Xp22.31.
Variant type: single nucleotide variant.
Coding change: c.784C>T on transcript NM_000216.4 (MANE Select); coding-DNA position 784, C replaced by T.
Protein change: p.Arg262Ter; replaces arginine 262 with a stop codon.
Molecular consequence: nonsense.
Genome position (GRCh38, 1-based): chrX:8,585,339, G>A on the plus strand (C>T on the coding strand, the complement: ANOS1 is on the minus strand). VCF-style: chrX-8585339-G-A. GRCh37 (hg19) VCF-style: chrX-8553380-G-A.
Other names: c.784C>T (NM_000216.2); short protein forms R262*.
Identifiers: ClinVar variation 10011 (VCV000010011.7), dbSNP rs137852516, ClinGen allele CA254970.

ClinVar aggregate classification (germline): Pathogenic. Review status: criteria provided, multiple submitters, no conflicts (2 of 4 stars). 4 submissions from 4 submitters: Pathogenic (3). 1 of the submissions does not count toward it. Last evaluated 2025-08-06.

Conditions:
Hypogonadotropic hypogonadism 1 with or without anosmia (HH1). Also called: Hypogonadotropic hypogonadism 1 with or without anosmia (Kallmann syndrome 1); DYSPLASIA OLFACTOGENITALIS OF DE MORSIER; KAL1-Related GnRH Deficiency (Kallmann Syndrome 1; Kallmann Syndrome, X-Linked); Kallmann syndrome, type 1, X-linked; HYPOGONADOTROPIC HYPOGONADISM 1 WITH ANOSMIA; HYPOGONADOTROPIC HYPOGONADISM AND ANOSMIA. Identifiers: Orphanet 478, MedGen C1563719, MONDO:0010635, OMIM 308700. Disease mechanism: loss of function.

Submissions (4):

Labcorp Genetics (formerly Invitae), Labcorp
Classification: Pathogenic for Hypogonadotropic hypogonadism 1 with or without anosmia. Last evaluated: 2025-08-06. Review status: criteria provided, single submitter. Criteria: Invitae Variant Classification Sherloc (09022015). Collection method: clinical testing. Allele origin: germline.
Comment: This sequence change creates a premature translational stop signal (p.Arg262*) in the ANOS1 gene. It is expected to result in an absent or disrupted protein product. Loss-of-function variants in ANOS1 are known to be pathogenic (PMID: 8504298, 11297579). This variant is not present in population databases (gnomAD no frequency). This premature translational stop signal has been observed in individual(s) with X-linked Kallmann syndrome (PMID: 12050219, 26862482). ClinVar contains an entry for this variant (Variation ID: 10011). For these reasons, this variant has been classified as Pathogenic.

GeneDx
Classification: Pathogenic. Last evaluated: 2023-07-05. Review status: criteria provided, single submitter. Criteria: GeneDx Variant Classification Process June 2021. Collection method: clinical testing. Allele origin: germline. Affected: yes.
Comment: Nonsense variant predicted to result in protein truncation or nonsense mediated decay in a gene for which loss of function is a known mechanism of disease; Not observed at significant frequency in large population cohorts (gnomAD); This variant is associated with the following publications: (PMID: 25525159, 36039580, 26629483, 21682876, 26862482, 28780519, 12050219)

Juno Genomics, Hangzhou Juno Genomics, Inc
Classification: Pathogenic for Hypogonadotropic hypogonadism 1 with or without anosmia. Review status: criteria provided, single submitter. Criteria: ACMG Guidelines, 2015. Collection method: clinical testing. Allele origin: germline. Affected: yes.
Comment: Absent from controls (or at extremely low frequency if recessive) in Genome Aggregation Database, Exome Sequencing Project, 1000 Genomes Project, or Exome Aggregation Consortium.;Null variant in a gene where loss of function (LOF) is a known mechanism of disease.;The prevalence of the variant in affected individuals is significantly increased compared to the prevalence in controls.

OMIM
Classification: Pathogenic for HYPOGONADOTROPIC HYPOGONADISM 1 WITH ANOSMIA. Last evaluated: 2002-06-01. Review status: no assertion criteria provided. Collection method: literature only. Allele origin: germline. Not counted in ClinVar's aggregate classification.

Literature cited by the submitters: PubMed 8504298 (cited by Labcorp Genetics (formerly Invitae), Labcorp); PubMed 11297579 (cited by Labcorp Genetics (formerly Invitae), Labcorp); PubMed 12050219 (cited by Labcorp Genetics (formerly Invitae), Labcorp and OMIM); PubMed 26862482 (cited by Labcorp Genetics (formerly Invitae), Labcorp).